The following is an entry in ClinVar:

ClinVar aggregate classification (germline): Pathogenic (1 of 4 stars; one submission).

Conditions:
Developmental and epileptic encephalopathy, 12 (DEE12). Identifiers: MedGen C3150988, MONDO:0013389, OMIM 613722.

Submission:

Labcorp Genetics (formerly Invitae), Labcorp
Classification: Pathogenic for Developmental and epileptic encephalopathy, 12. Last evaluated: 2021-02-17. Review status: criteria provided, single submitter. Criteria: Invitae Variant Classification Sherloc (09022015). Collection method: clinical testing. Allele origin: germline.
Comment: This sequence change creates a premature translational stop signal (p.Cys437*) in the PNKP gene. It is expected to result in an absent or disrupted protein product. Loss-of-function variants in PNKP are known to be pathogenic (PMID: 20118933, 25728773). This variant is not present in population databases (ExAC no frequency). This variant has not been reported in the literature in individuals with PNKP-related conditions. For these reasons, this variant has been classified as Pathogenic.

Literature cited by the submitters: PubMed 20118933; PubMed 25728773.

NM_007254.4(PNKP):c.1311T>A (p.Cys437Ter)

Gene: PNKP (polynucleotide kinase 3'-phosphatase; minus strand). Cytogenetic location: 19q13.33.
Variant type: single nucleotide variant.
Coding change: c.1311T>A on transcript NM_007254.4 (MANE Select); coding-DNA position 1311, T replaced by A.
Protein change: p.Cys437Ter; replaces cysteine 437 with a stop codon.
Molecular consequence: nonsense.
Genome position (GRCh38, 1-based): chr19:49,861,683, A>T on the plus strand (T>A on the coding strand, the complement: PNKP is on the minus strand). VCF-style: chr19-49861683-A-T. GRCh37 (hg19) VCF-style: chr19-50364940-A-T.
Other names: short protein forms C437*.
Identifiers: ClinVar variation 1371267 (VCV001371267.1), dbSNP rs1309576866, ClinGen allele CA406933266.